The following is an entry in ClinVar:

ClinVar aggregate classification (germline): Uncertain significance. Review status: criteria provided, single submitter (1 of 4 stars). 2 submissions from 2 submitters: Uncertain significance (1). 1 of the submissions does not count toward it. Last evaluated 2022-08-31.

Conditions:
Nemaline myopathy 2 (NEM2). Also called: Nemaline myopathy 2, autosomal recessive. Identifiers: MedGen C1850569, MONDO:0009725, OMIM 256030.

Allele frequency attached by ClinVar (database versions not stated): TOPMed below 0.00001; gnomAD 0.00001; ESP Exome Variant Server 0.00008; ExAC 0.00009.
gnomAD v4.1: 16 of 1,606,848 alleles (0.001%); highest among the groups gnomAD compares: South Asian, 0.011%; no homozygotes.

Submissions (2):

Labcorp Genetics (formerly Invitae), Labcorp
Classification: Uncertain significance for Nemaline myopathy 2. Last evaluated: 2022-08-31. Review status: criteria provided, single submitter. Criteria: Invitae Variant Classification Sherloc (09022015). Collection method: clinical testing. Allele origin: germline.
Comment: This sequence change affects codon 3520 of the NEB mRNA. It is a 'silent' change, meaning that it does not change the encoded amino acid sequence of the NEB protein. It affects a nucleotide within the consensus splice site. This variant is present in population databases (rs368803600, gnomAD 0.02%). This variant has not been reported in the literature in individuals affected with NEB-related conditions. ClinVar contains an entry for this variant (Variation ID: 1051169). Algorithms developed to predict the effect of sequence changes on RNA splicing suggest that this variant is not likely to affect RNA splicing. In summary, the available evidence is currently insufficient to determine the role of this variant in disease. Therefore, it has been classified as a Variant of Uncertain Significance.

Natera, Inc.
Classification: Uncertain significance for Nemaline myopathy type 2. Last evaluated: 2020-01-12. Review status: no assertion criteria provided. Collection method: clinical testing. Allele origin: germline. Not counted in ClinVar's aggregate classification.

NM_001164508.2(NEB):c.10560T>C (p.Asp3520=)

Gene: NEB (nebulin; minus strand). Cytogenetic location: 2q23.3.
Variant type: single nucleotide variant.
Coding change: c.10560T>C on transcript NM_001164508.2 (MANE Select); coding-DNA position 10560, T replaced by C.
Protein change: p.Asp3520=; no amino-acid change (aspartic acid 3520 retained).
Molecular consequence: synonymous variant.
Genome position (GRCh38, 1-based): chr2:151,620,919, A>G on the plus strand (T>C on the coding strand, the complement: NEB is on the minus strand). VCF-style: chr2-151620919-A-G. GRCh37 (hg19) VCF-style: chr2-152477433-A-G.
Other names: c.10560T>C, p.Asp3520= (NM_001164507.2, NM_001271208.2); c.9831T>C, p.Asp3277= (NM_004543.5).
Identifiers: ClinVar variation 1051169 (VCV001051169.10), dbSNP rs368803600, ClinGen allele CA1908998.